The following is an entry in ClinVar:

NM_001384732.1(CPLANE1):c.7753T>G (p.Ser2585Ala)

Gene: CPLANE1 (ciliogenesis and planar polarity effector complex subunit 1; minus strand). Cytogenetic location: 5p13.2.
Variant type: single nucleotide variant.
Coding change: c.7753T>G on transcript NM_001384732.1 (MANE Select); coding-DNA position 7753, T replaced by G.
Protein change: p.Ser2585Ala; replaces serine 2585 with alanine.
Molecular consequence: missense variant.
Genome position (GRCh38, 1-based): chr5:37,158,283, A>C on the plus strand (T>G on the coding strand, the complement: CPLANE1 is on the minus strand). VCF-style: chr5-37158283-A-C. GRCh37 (hg19) VCF-style: chr5-37158385-A-C.
Other names: c.7753T>G, p.Ser2585Ala (NM_023073.4); short protein forms S2585A.
Identifiers: ClinVar variation 1955212 (VCV001955212.4), dbSNP rs376307103, ClinGen allele CA117046124.
Genomic context (GRCh38, chr5:37,158,283, plus strand): 5'-CCAAGTTTGTTACTGTATGAGGTATTGAGGGTGACCAAGGTTTCTCTGACATTTCACTGG[A>C]AAGCTTCAGATTTAGATAGACATCTGGGACCAAGAGCTGAGGAGCAGTCAAAGGCTCATG-3'
Protein context (NP_001371661.1, residues 2575-2595): VPDVYLNLKL[Ser2585Ala]SEMSEKPWSP

ClinVar aggregate classification (germline): Uncertain significance (1 of 4 stars; one submission).

Allele frequency attached by ClinVar (database versions not stated): gnomAD exomes below 0.00001; TOPMed below 0.00001; gnomAD 0.00001; ESP Exome Variant Server 0.00008.
gnomAD v4.1: 7 of 1,613,838 alleles (0.00043%); highest among the groups gnomAD compares: Non-Finnish European, 0.00059%; no homozygotes.

Submission:

Labcorp Genetics (formerly Invitae), Labcorp
Classification: Uncertain significance. Last evaluated: 2022-04-20. Review status: criteria provided, single submitter. Criteria: Invitae Variant Classification Sherloc (09022015). Collection method: clinical testing. Allele origin: germline.
Comment: This variant is present in population databases (rs376307103, gnomAD 0.002%). In summary, the available evidence is currently insufficient to determine the role of this variant in disease. Therefore, it has been classified as a Variant of Uncertain Significance. Advanced modeling of protein sequence and biophysical properties (such as structural, functional, and spatial information, amino acid conservation, physicochemical variation, residue mobility, and thermodynamic stability) performed at Invitae indicates that this missense variant is not expected to disrupt CPLANE1 protein function. This variant has not been reported in the literature in individuals affected with CPLANE1-related conditions. This sequence change replaces serine, which is neutral and polar, with alanine, which is neutral and non-polar, at codon 2585 of the CPLANE1 protein (p.Ser2585Ala).